The following is an entry in ClinVar:

NM_006059.4(LAMC3):c.3607A>T (p.Thr1203Ser)

Gene: LAMC3 (laminin subunit gamma 3; plus strand). Cytogenetic location: 9q34.12.
Variant type: single nucleotide variant.
Coding change: c.3607A>T on transcript NM_006059.4 (MANE Select); coding-DNA position 3607, A replaced by T.
Protein change: p.Thr1203Ser; replaces threonine 1203 with serine.
Molecular consequence: missense variant.
Genome position (GRCh38, 1-based): chr9:131,075,943, A>T. VCF-style: chr9-131075943-A-T. GRCh37 (hg19) VCF-style: chr9-133951330-A-T.
Other names: short protein forms T1203S.
Identifiers: ClinVar variation 596126 (VCV000596126.11), dbSNP rs141639990, ClinGen allele CA5287859.

ClinVar aggregate classification (germline): Uncertain significance. Review status: criteria provided, multiple submitters, no conflicts (2 of 4 stars). 2 submissions from 2 submitters: Uncertain significance (2). Last evaluated 2022-02-21.

Allele frequency attached by ClinVar (database versions not stated): gnomAD exomes 0.00001 and 0.00002; ExAC 0.00003; gnomAD 0.00007; TOPMed 0.00007; ESP Exome Variant Server 0.00008.
gnomAD v4.1: 19 of 1,608,950 alleles (0.0012%); highest among the groups gnomAD compares: African/African-American, 0.016%; no homozygotes.

Submissions (2):

Labcorp Genetics (formerly Invitae), Labcorp
Classification: Uncertain significance. Last evaluated: 2022-02-21. Review status: criteria provided, single submitter. Criteria: Invitae Variant Classification Sherloc (09022015). Collection method: clinical testing. Allele origin: germline.
Comment: This sequence change replaces threonine, which is neutral and polar, with serine, which is neutral and polar, at codon 1203 of the LAMC3 protein (p.Thr1203Ser). This variant is present in population databases (rs141639990, gnomAD 0.02%). This variant has not been reported in the literature in individuals affected with LAMC3-related conditions. ClinVar contains an entry for this variant (Variation ID: 596126). Algorithms developed to predict the effect of missense changes on protein structure and function (SIFT, PolyPhen-2, Align-GVGD) all suggest that this variant is likely to be tolerated. In summary, the available evidence is currently insufficient to determine the role of this variant in disease. Therefore, it has been classified as a Variant of Uncertain Significance.

Eurofins Ntd Llc (ga)
Classification: Uncertain significance. Last evaluated: 2018-02-28. Review status: criteria provided, single submitter. Criteria: EGL ClinVar v180209 classification definitions. Collection method: clinical testing. Allele origin: germline. Observed: 1 variant allele, 1 heterozygote.